The following is an entry in ClinVar:

NM_022051.3(EGLN1):c.491C>T (p.Pro164Leu)

Gene: EGLN1 (egl-9 family hypoxia inducible factor 1; minus strand). Cytogenetic location: 1q42.2.
Variant type: single nucleotide variant.
Coding change: c.491C>T on transcript NM_022051.3 (MANE Select); coding-DNA position 491, C replaced by T.
Protein change: p.Pro164Leu; replaces proline 164 with leucine.
Molecular consequence: missense variant.
Genome position (GRCh38, 1-based): chr1:231,421,398, G>A on the plus strand (C>T on the coding strand, the complement: EGLN1 is on the minus strand). VCF-style: chr1-231421398-G-A. GRCh37 (hg19) VCF-style: chr1-231557144-G-A.
Other names: c.491C>T, p.Pro164Leu (NM_001377260.1, NM_001377261.1); short protein forms P164L.
Identifiers: ClinVar variation 858421 (VCV000858421.11), dbSNP rs770213782, ClinGen allele CA1453170.
Genomic context (GRCh38, chr1:231,421,398, plus strand): 5'-TGCCCGTTGGGCCGCAGGCCGCCGCCGGGGCTCAGCGCATCCCCGGGCGTGTTGCTTGGG[G>A]GGTACAGGTTCGCCTTCTCCTGGAACAGCGATGAGCGGGCCGGCGGCTCCTCCTTGCCGG-3'
Protein context (NP_071334.1, residues 154-174): SLFQEKANLY[Pro164Leu]PSNTPGDALS

ClinVar aggregate classification (germline): Uncertain significance. Review status: criteria provided, multiple submitters, no conflicts (2 of 4 stars). 2 submissions from 2 submitters: Uncertain significance (2). Last evaluated 2025-10-12.

Conditions:
Erythrocytosis, familial, 3 (ECYT3). Identifiers: Orphanet 247511, MedGen C1853286, MONDO:0012353, OMIM 609820.

Allele frequency attached by ClinVar (database versions not stated): gnomAD exomes 0.00001; ExAC 0.00002; TOPMed 0.00005.
gnomAD v4.1: 10 of 1,603,656 alleles (0.00062%); highest among the groups gnomAD compares: Admixed American, 0.0034%; no homozygotes.

Submissions (2):

Ambry Genetics
Classification: Uncertain significance. Last evaluated: 2025-10-12. Review status: criteria provided, single submitter. Criteria: Ambry Variant Classification Scheme 2023. Collection method: clinical testing. Allele origin: germline.
Comment: The p.P164L variant (also known as c.491C>T), located in coding exon 1 of the EGLN1 gene, results from a C to T substitution at nucleotide position 491. The proline at codon 164 is replaced by leucine, an amino acid with similar properties. This amino acid position is conserved. In addition, this alteration is predicted to be tolerated by in silico analysis. Since supporting evidence is limited at this time, the clinical significance of this alteration remains unclear.

Labcorp Genetics (formerly Invitae), Labcorp
Classification: Uncertain significance for Erythrocytosis, familial, 3. Last evaluated: 2024-07-01. Review status: criteria provided, single submitter. Criteria: Invitae Variant Classification Sherloc (09022015). Collection method: clinical testing. Allele origin: germline.
Comment: This sequence change replaces proline, which is neutral and non-polar, with leucine, which is neutral and non-polar, at codon 164 of the EGLN1 protein (p.Pro164Leu). This variant is present in population databases (rs770213782, gnomAD 0.003%). This variant has not been reported in the literature in individuals affected with EGLN1-related conditions. ClinVar contains an entry for this variant (Variation ID: 858421). An algorithm developed to predict the effect of missense changes on protein structure and function (PolyPhen-2) suggests that this variant is likely to be tolerated. In summary, the available evidence is currently insufficient to determine the role of this variant in disease. Therefore, it has been classified as a Variant of Uncertain Significance.